The following is an entry in ClinVar:

ClinVar aggregate classification (germline): Pathogenic. Review status: criteria provided, multiple submitters, no conflicts (2 of 4 stars). 6 submissions from 6 submitters: Pathogenic (5). 1 of the submissions does not count toward it. Last evaluated 2025-09-12.

Conditions:
Leukodystrophy, hypomyelinating, 10. Also called: PYCR2-related microcephaly-progressive leukoencephalopathy. Identifiers: Orphanet 481152, MedGen C4225332, MONDO:0014632, OMIM 616420.
Leukodystrophy. Identifiers: Orphanet 68356, MedGen C0023520, MONDO:0019046, HP:0002415.

Allele frequency attached by ClinVar (database versions not stated): gnomAD exomes 0.00001 and 0.00002.
gnomAD v4.1: 24 of 1,612,802 alleles (0.0015%); highest among the groups gnomAD compares: Middle Eastern, 0.017%; no homozygotes.

Submissions (6):

3billion
Classification: Pathogenic for Leukodystrophy, hypomyelinating, 10. Last evaluated: 2025-09-12. Review status: criteria provided, single submitter. Criteria: ACMG Guidelines, 2015. Collection method: clinical testing. Allele origin: germline. Affected: yes.
Comment: The variant is observed at an extremely low frequency in the gnomAD v4.1.0 dataset (total allele frequency: 0.002%). Predicted Consequence/Location: Stop-gained (nonsense): predicted to result in a loss or disruption of normal protein function through protein truncation. The predicted truncated protein may be shortened by more than 10%. Functional studies provide moderate evidence of the variant having a damaging effect on the gene or gene product (PMID: 27130255). The variant has been reported at least twice as pathogenic with clinical assertions and evidence for the classification (ClinVar ID: VCV000254247 /PMID: 27130255 /3billion dataset). Therefore, this variant is classified as Pathogenic according to the recommendation of ACMG/AMP guideline.

GeneDx
Classification: Pathogenic. Last evaluated: 2025-04-10. Review status: criteria provided, single submitter. Criteria: GeneDx Variant Classification Process June 2021. Collection method: clinical testing. Allele origin: germline. Affected: yes.
Comment: Nonsense variant predicted to result in protein truncation, as the last 55 amino acids are lost, and other loss-of-function variants have been reported downstream; Not observed at significant frequency in large population cohorts (gnomAD); This variant is associated with the following publications: (PMID: 27391121, 30369941, 27130255, 27860360, 31487502, 32404165, 34374989)

Dubai Health Genomic Medicine Center, Dubai Health
Classification: Pathogenic for Leukodystrophy. Last evaluated: 2024-10-04. Review status: criteria provided, single submitter. Criteria: ACMG Guidelines, 2015. Collection method: research. Allele origin: germline. Affected: yes.
Comment: PVS1,PS3,PM3(moderate),PM2

Labcorp Genetics (formerly Invitae), Labcorp
Classification: Pathogenic. Last evaluated: 2022-07-13. Review status: criteria provided, single submitter. Criteria: Invitae Variant Classification Sherloc (09022015). Collection method: clinical testing. Allele origin: germline.
Comment: This sequence change creates a premature translational stop signal (p.Arg266*) in the PYCR2 gene. While this is not anticipated to result in nonsense mediated decay, it is expected to disrupt the last 55 amino acid(s) of the PYCR2 protein. The frequency data for this variant in the population databases is considered unreliable, as metrics indicate poor data quality at this position in the gnomAD database. This premature translational stop signal has been observed in individuals with clinical features of a hypomyelinating leukodystrophy (PMID: 27130255). ClinVar contains an entry for this variant (Variation ID: 254247). For these reasons, this variant has been classified as Pathogenic.

Broad Center for Mendelian Genomics, Broad Institute of MIT and Harvard
Classification: Pathogenic for Leukodystrophy, hypomyelinating, 10. Review status: criteria provided, single submitter. Criteria: ACMG Guidelines, 2015. Collection method: research. Allele origin: germline. Inheritance: Autosomal recessive inheritance. Affected: yes. Observed: 1 variant allele, 1 homozygote. Study: Broad Institute Center for Mendelian Genomics (CMG).
Comment: This variant has been reported in 6 individuals with hypomyelinating leukodystrophy and microcephaly across 5 families (PMID: 27860360). Protein expression in skin fibroblasts from patients show absent protein. At least 5 other pathogenic loss of function have been reported in the literature and/or databases. In summary, the variant is pathogenic.

OMIM
Classification: Pathogenic for LEUKODYSTROPHY, HYPOMYELINATING, 10. Last evaluated: 2016-09-16. Review status: no assertion criteria provided. Collection method: literature only. Allele origin: germline. Not counted in ClinVar's aggregate classification.

Literature cited by the submitters: PubMed 27130255 (cited by 3 submitters); PubMed 27860360 (cited by Broad Center for Mendelian Genomics, Broad Institute of MIT and Harvard).

NM_013328.4(PYCR2):c.796C>T (p.Arg266Ter)

Gene: PYCR2 (pyrroline-5-carboxylate reductase 2; minus strand). Cytogenetic location: 1q42.12.
Variant type: single nucleotide variant.
Coding change: c.796C>T on transcript NM_013328.4 (MANE Select); coding-DNA position 796, C replaced by T.
Protein change: p.Arg266Ter; replaces arginine 266 with a stop codon.
Molecular consequence: nonsense.
Genome position (GRCh38, 1-based): chr1:225,921,209, G>A on the plus strand (C>T on the coding strand, the complement: PYCR2 is on the minus strand). VCF-style: chr1-225921209-G-A. GRCh37 (hg19) VCF-style: chr1-226108909-G-A.
Other names: c.574C>T, p.Arg192Ter (NM_001271681.2); short protein forms R266*, R192*.
Identifiers: ClinVar variation 254247 (VCV000254247.11), dbSNP rs886037931, ClinGen allele CA10586380.